The following is an entry in ClinVar:

ClinVar aggregate classification (germline): Uncertain significance (1 of 4 stars; one submission).

Conditions:
Hereditary cancer-predisposing syndrome. Also called: Neoplastic Syndromes, Hereditary; Tumor predisposition; Hereditary Cancer Syndrome; Hereditary neoplastic syndrome. Identifiers: Orphanet 140162, MedGen C0027672, MeSH D009386, MONDO:0015356.

Allele frequency attached by ClinVar (database versions not stated): gnomAD exomes below 0.00001.
gnomAD v4.1: 1 of 1,613,606 alleles (0.000062%); highest among the groups gnomAD compares: Non-Finnish European, 0.000085%; no homozygotes.

Submission:

Color Diagnostics, LLC DBA Color Health
Classification: Uncertain significance for Hereditary cancer-predisposing syndrome. Last evaluated: 2023-12-04. Review status: criteria provided, single submitter. Criteria: ACMG Guidelines, 2015. Collection method: clinical testing. Allele origin: germline.
Comment: This missense variant replaces arginine with threonine at codon 1183 of the BRIP1 protein. Computational prediction suggests that this variant may not impact protein structure and function (internally defined REVEL score threshold <= 0.5, PMID: 27666373). To our knowledge, functional studies have not been reported for this variant. This variant has not been reported in individuals affected with BRIP1-related disorders in the literature. This variant has not been identified in the general population by the Genome Aggregation Database (gnomAD). The available evidence is insufficient to determine the role of this variant in disease conclusively. Therefore, this variant is classified as a Variant of Uncertain Significance.

NM_032043.3(BRIP1):c.3548G>C (p.Arg1183Thr)

Gene: BRIP1 (BRCA1 interacting DNA helicase 1; minus strand). Cytogenetic location: 17q23.2.
Variant type: single nucleotide variant.
Coding change: c.3548G>C on transcript NM_032043.3 (MANE Select); coding-DNA position 3548, G replaced by C.
Protein change: p.Arg1183Thr; replaces arginine 1183 with threonine.
Molecular consequence: missense variant.
Genome position (GRCh38, 1-based): chr17:61,683,498, C>G on the plus strand (G>C on the coding strand, the complement: BRIP1 is on the minus strand). VCF-style: chr17-61683498-C-G. GRCh37 (hg19) VCF-style: chr17-59760859-C-G.
Other names: short protein forms R1183T.
Identifiers: ClinVar variation 920843 (VCV000920843.4), dbSNP rs2061302714, ClinGen allele CA400478315.